The following is an entry in ClinVar:

NM_000256.3(MYBPC3):c.1418T>C (p.Phe473Ser)

Gene: MYBPC3 (myosin binding protein C3; minus strand). Cytogenetic location: 11p11.2.
Variant type: single nucleotide variant.
Coding change: c.1418T>C on transcript NM_000256.3 (MANE Select); coding-DNA position 1418, T replaced by C.
Protein change: p.Phe473Ser; replaces phenylalanine 473 with serine.
Molecular consequence: missense variant.
Genome position (GRCh38, 1-based): chr11:47,342,869, A>G on the plus strand (T>C on the coding strand, the complement: MYBPC3 is on the minus strand). VCF-style: chr11-47342869-A-G. GRCh37 (hg19) VCF-style: chr11-47364420-A-G.
Other names: p.F473S:TTT>TCT; short protein forms F473S.
Identifiers: ClinVar variation 42529 (VCV000042529.15), dbSNP rs397515900, ClinGen allele CA010275.

ClinVar aggregate classification (germline): Uncertain significance. Review status: criteria provided, multiple submitters, no conflicts (2 of 4 stars). 3 submissions from 3 submitters: Uncertain significance (3). Last evaluated 2025-07-30.

Conditions:
Hypertrophic cardiomyopathy. Also called: HYPERTROPHIC MYOCARDIOPATHY. Identifiers: Orphanet 217569, MedGen C0007194, MeSH D002312, MONDO:0005045, HP:0001639.

Submissions (3):

Labcorp Genetics (formerly Invitae), Labcorp
Classification: Uncertain significance for Hypertrophic cardiomyopathy. Last evaluated: 2025-07-30. Review status: criteria provided, single submitter. Criteria: Invitae Variant Classification Sherloc (09022015). Collection method: clinical testing. Allele origin: germline.
Comment: This sequence change replaces phenylalanine, which is neutral and non-polar, with serine, which is neutral and polar, at codon 473 of the MYBPC3 protein (p.Phe473Ser). This variant is not present in population databases (gnomAD no frequency). This missense change has been observed in individual(s) with hypertrophic cardiomyopathy (PMID: 27532257, 32746448, 33782553, 37652022). ClinVar contains an entry for this variant (Variation ID: 42529). An algorithm developed to predict the effect of missense changes on protein structure and function (PolyPhen-2) suggests that this variant is likely to be disruptive. In summary, the available evidence is currently insufficient to determine the role of this variant in disease. Therefore, it has been classified as a Variant of Uncertain Significance.

GeneDx
Classification: Uncertain significance. Last evaluated: 2020-01-13. Review status: criteria provided, single submitter. Criteria: GeneDx Variant Classification Process June 2021. Collection method: clinical testing. Allele origin: germline. Affected: yes.
Comment: Reported in ClinVar as a variant of uncertain significance by another clinical laboratory that identified this variant in an individual with HCM (ClinVar Variant ID#42529; Landrum et al., 2016; Walsh et al., 2017); Not observed in large population cohorts (Lek et al., 2016); In silico analysis, which includes protein predictors and evolutionary conservation, supports a deleterious effect; This variant is associated with the following publications: (PMID: 27532257)

Laboratory for Molecular Medicine, Mass General Brigham Personalized Medicine
Classification: Uncertain significance. Last evaluated: 2014-06-05. Review status: criteria provided, single submitter. Criteria: LMM Criteria. Collection method: clinical testing. Allele origin: germline. Observed: 3 variant alleles.
Comment: Computational prediction tools and conservation analysis do not provide strong support for or against an impact to the protein. In summary, the clinical significance of the Phe473Ser variant is uncertain.

Literature cited by the submitters: PubMed 27532257 (cited by Labcorp Genetics (formerly Invitae), Labcorp); PubMed 32746448 (cited by Labcorp Genetics (formerly Invitae), Labcorp); PubMed 33782553 (cited by Labcorp Genetics (formerly Invitae), Labcorp); PubMed 37652022 (cited by Labcorp Genetics (formerly Invitae), Labcorp).